The following is an entry in ClinVar:

NM_000260.4(MYO7A):c.5726C>T (p.Pro1909Leu)

Gene: MYO7A (myosin VIIA; plus strand). Cytogenetic location: 11q13.5.
Variant type: single nucleotide variant.
Coding change: c.5726C>T on transcript NM_000260.4 (MANE Select); coding-DNA position 5726, C replaced by T.
Protein change: p.Pro1909Leu; replaces proline 1909 with leucine.
Molecular consequence: missense variant.
Genome position (GRCh38, 1-based): chr11:77,206,186, C>T. VCF-style: chr11-77206186-C-T. GRCh37 (hg19) VCF-style: chr11-76917231-C-T.
Other names: c.5612C>T, p.Pro1871Leu (NM_001127180.2); c.5579C>T, p.Pro1860Leu (NM_001369365.1); short protein forms P1860L, P1871L, P1909L.
Identifiers: ClinVar variation 3600789 (VCV003600789.1).
Genomic context (GRCh38, chr11:77,206,186, plus strand): 5'-TGGTGGAGGTGGAGGCCATCCAGCACAAGACCACCCAGATTTTCCACAAAGTCTACTTCC[C>T]TGATGACACTGACGAGGTGAGGGTCACCGGCTTCTAGGTCTGCAGTGCCCAGGACAGGGC-3'
Protein context (NP_000251.3, residues 1899-1919): TTQIFHKVYF[Pro1909Leu]DDTDEAFEVE

ClinVar aggregate classification (germline): Uncertain significance (1 of 4 stars; one submission).

gnomAD v4.1: 2 of 1,612,362 alleles (0.00012%); highest among the groups gnomAD compares: Admixed American, 0.0017%; no homozygotes.

Submission:

GeneDx
Classification: Uncertain significance. Last evaluated: 2024-07-23. Review status: criteria provided, single submitter. Criteria: GeneDx Variant Classification Process June 2021. Collection method: clinical testing. Allele origin: germline. Affected: yes.
Comment: Not observed at significant frequency in large population cohorts (gnomAD); In silico analysis supports that this missense variant has a deleterious effect on protein structure/function; Has not been previously published as pathogenic or benign to our knowledge